The following is an entry in ClinVar:

ClinVar aggregate classification (germline): Uncertain significance (1 of 4 stars; one submission).

Conditions:
Autosomal recessive ataxia, Beauce type. Also called: Spinocerebellar ataxia, autosomal recessive 8; ATAXIA, RECESSIVE, OF BEAUCE; SYNE1-Related Autosomal Recessive Cerebellar Ataxia; SYNE1 Deficiency. Identifiers: Orphanet 88644, MedGen C1853116, MONDO:0012549, OMIM 610743.
Emery-Dreifuss muscular dystrophy 4, autosomal dominant (EDMD4). Also called: EMERY-DREIFUSS MUSCULAR DYSTROPHY 4 WITH VARIABLE FEATURES. Identifiers: Orphanet 261, MedGen C2751807, MONDO:0013071, OMIM 612998.

Submission:

Labcorp Genetics (formerly Invitae), Labcorp
Classification: Uncertain significance for Emery-Dreifuss muscular dystrophy 4, autosomal dominant; Spinocerebellar ataxia, autosomal recessive 8. Last evaluated: 2019-08-15. Review status: criteria provided, single submitter. Criteria: Invitae Variant Classification Sherloc (09022015). Collection method: clinical testing. Allele origin: germline.
Comment: This sequence change replaces lysine with asparagine at codon 5345 of the SYNE1 protein (p.Lys5345Asn). The lysine residue is highly conserved and there is a moderate physicochemical difference between lysine and asparagine. This variant is not present in population databases (ExAC no frequency). This variant has not been reported in the literature in individuals with SYNE1-related conditions. Algorithms developed to predict the effect of missense changes on protein structure and function (SIFT, PolyPhen-2, Align-GVGD) all suggest that this variant is likely to be disruptive, but these predictions have not been confirmed by published functional studies and their clinical significance is uncertain. In summary, the available evidence is currently insufficient to determine the role of this variant in disease. Therefore, it has been classified as a Variant of Uncertain Significance.

NM_182961.4(SYNE1):c.16248A>C (p.Lys5416Asn)

Gene: SYNE1 (spectrin repeat containing nuclear envelope protein 1; minus strand). Cytogenetic location: 6q25.2.
Variant type: single nucleotide variant.
Coding change: c.16248A>C on transcript NM_182961.4 (MANE Select); coding-DNA position 16248, A replaced by C.
Protein change: p.Lys5416Asn; replaces lysine 5416 with asparagine.
Molecular consequence: missense variant.
Genome position (GRCh38, 1-based): chr6:152,319,004, T>G on the plus strand (A>C on the coding strand, the complement: SYNE1 is on the minus strand). VCF-style: chr6-152319004-T-G. GRCh37 (hg19) VCF-style: chr6-152640139-T-G.
Other names: c.16035A>C, p.Lys5345Asn (NM_033071.5); short protein forms K5416N, K5345N.
Identifiers: ClinVar variation 961085 (VCV000961085.1), dbSNP rs2095804308, ClinGen allele CA366113837.